The following is an entry in ClinVar:

NM_001127222.2(CACNA1A):c.2938C>T (p.Arg980Cys)

Gene: CACNA1A (calcium voltage-gated channel subunit alpha1 A; minus strand). Cytogenetic location: 19p13.13.
Variant type: single nucleotide variant.
Coding change: c.2938C>T on transcript NM_001127222.2 (MANE Select); coding-DNA position 2938, C replaced by T.
Protein change: p.Arg980Cys; replaces arginine 980 with cysteine.
Molecular consequence: missense variant.
Genome position (GRCh38, 1-based): chr19:13,298,695, G>A on the plus strand (C>T on the coding strand, the complement: CACNA1A is on the minus strand). VCF-style: chr19-13298695-G-A. GRCh37 (hg19) VCF-style: chr19-13409509-G-A.
Other names: c.2941C>T (NM_000068.2); c.2950C>T, p.Arg984Cys (NM_000068.4, NM_023035.3); c.2941C>T, p.Arg981Cys (NM_001127221.2, NM_001174080.2); short protein forms R981C, R980C, R984C.
Identifiers: ClinVar variation 569284 (VCV000569284.8), dbSNP rs778978325, ClinGen allele CA404342406.

ClinVar aggregate classification (germline): Conflicting classifications of pathogenicity. Review status: criteria provided, conflicting classifications (1 of 4 stars). 3 submissions from 3 submitters: Uncertain significance (2); Likely benign (1). Last evaluated 2024-06-27.

Conditions:
Episodic ataxia type 2 (EA2). Also called: ACETAZOLAMIDE-RESPONSIVE HEREDITARY PAROXYSMAL CEREBELLAR ATAXIA; CEREBELLAR ATAXIA, PAROXYSMAL, ACETAZOLAMIDE-RESPONSIVE; CEREBELLOPATHY, HEREDITARY PAROXYSMAL; EPISODIC ATAXIA, NYSTAGMUS-ASSOCIATED; ATAXIA, EPISODIC, WITH NYSTAGMUS; ATAXIA, FAMILIAL PAROXYSMAL. Identifiers: Orphanet 97, MedGen C1720416, MONDO:0007163, OMIM 108500.
Developmental and epileptic encephalopathy, 42 (DEE42A). Also called: DEVELOPMENTAL AND EPILEPTIC ENCEPHALOPATHY 42A; EPILEPTIC ENCEPHALOPATHY, EARLY INFANTILE, 42A; Epileptic encephalopathy, early infantile, 42. Identifiers: MedGen C4310716, MONDO:0014917, OMIM 617106.

Allele frequency attached by ClinVar (database versions not stated): gnomAD 0.00001.
gnomAD v4.1: 4 of 1,443,340 alleles (0.00028%); highest among the groups gnomAD compares: Admixed American, 0.0093%; no homozygotes.

Submissions (3):

Athena Diagnostics
Classification: Uncertain significance. Last evaluated: 2024-06-27. Review status: criteria provided, single submitter. Criteria: Athena Diagnostics Criteria. Collection method: clinical testing. Allele origin: unknown.
Comment: Available data are insufficient to determine the clinical significance of the variant at this time. The frequency of this variant in the general population is uninformative in assessment of its pathogenicity. Polyphen and MutationTaster predict this amino acid change may be damaging to the protein.

Labcorp Genetics (formerly Invitae), Labcorp
Classification: Likely benign for Developmental and epileptic encephalopathy, 42; Episodic ataxia type 2. Last evaluated: 2023-11-27. Review status: criteria provided, single submitter. Criteria: Invitae Variant Classification Sherloc (09022015). Collection method: clinical testing. Allele origin: germline.

GeneDx
Classification: Uncertain significance. Last evaluated: 2022-12-30. Review status: criteria provided, single submitter. Criteria: GeneDx Variant Classification Process June 2021. Collection method: clinical testing. Allele origin: germline. Affected: yes.
Comment: Not observed at significant frequency in large population cohorts (gnomAD); In silico analysis supports that this missense variant has a deleterious effect on protein structure/function; Has not been previously published as pathogenic or benign to our knowledge